The following is an entry in ClinVar:

ClinVar aggregate classification (germline): Uncertain significance (1 of 4 stars; one submission).

Conditions:
Gastrointestinal stromal tumor. Also called: Gastrointestinal stromal tumor, somatic; Gastrointestinal stroma tumor. Identifiers: Orphanet 44890, MedGen C0238198, MeSH D046152, MONDO:0011719, OMIM 606764, HP:0100723.

Submission:

Labcorp Genetics (formerly Invitae), Labcorp
Classification: Uncertain significance for Gastrointestinal stromal tumor. Last evaluated: 2026-01-05. Review status: criteria provided, single submitter. Criteria: Invitae Variant Classification Sherloc (09022015). Collection method: clinical testing. Allele origin: germline.
Comment: This sequence change replaces histidine, which is basic and polar, with glutamine, which is neutral and polar, at codon 790 of the KIT protein (p.His790Gln). This variant is not present in population databases (gnomAD no frequency). This variant has not been reported in the literature in individuals affected with KIT-related conditions. An algorithm developed to predict the effect of missense changes on protein structure and function (PolyPhen-2) suggests that this variant is likely to be disruptive. In summary, the available evidence is currently insufficient to determine the role of this variant in disease. Therefore, it has been classified as a Variant of Uncertain Significance.

NM_000222.3(KIT):c.2370C>G (p.His790Gln)

Gene: KIT (KIT proto-oncogene, receptor tyrosine kinase; plus strand). Cytogenetic location: 4q12.
Variant type: single nucleotide variant.
Coding change: c.2370C>G on transcript NM_000222.3 (MANE Select); coding-DNA position 2370, C replaced by G.
Protein change: p.His790Gln; replaces histidine 790 with glutamine.
Molecular consequence: missense variant.
Genome position (GRCh38, 1-based): chr4:54,733,078, C>G. VCF-style: chr4-54733078-C-G. GRCh37 (hg19) VCF-style: chr4-55599244-C-G.
Other names: c.2358C>G, p.His786Gln (NM_001093772.2, NM_001385292.1); c.2373C>G, p.His791Gln (NM_001385284.1); c.2367C>G, p.His789Gln (NM_001385285.1); c.2355C>G, p.His785Gln (NM_001385286.1); c.2361C>G, p.His787Gln (NM_001385288.1); c.2370C>G, p.His790Gln (NM_001385290.1); short protein forms H785Q, H786Q, H787Q, H790Q, H789Q, H791Q.
Identifiers: ClinVar variation 4734765 (VCV004734765.1).
Genomic context (GRCh38, chr4:54,733,078, plus strand): 5'-TTACAAGTTAAAATGAATTTAAATGGTTTTCTTTTCTCCTCCAACCTAATAGTGTATTCA[C>G]AGAGACTTGGCAGCCAGAAATATCCTCCTTACTCATGGTCGGATCACAAAGATTTGTGAT-3'
Protein context (NP_000213.1, residues 780-800): MAFLASKNCI[His790Gln]RDLAARNILL